The following is an entry in ClinVar:

ClinVar aggregate classification (germline): Uncertain significance. Review status: criteria provided, multiple submitters, no conflicts (2 of 4 stars). 2 submissions from 2 submitters: Uncertain significance (2). Last evaluated 2024-03-17.

Conditions:
Borjeson-Forssman-Lehmann syndrome (BFLS). Also called: MENTAL RETARDATION, X-LINKED, SYNDROMIC, BORJESON-FORSSMAN-LEHMANN TYPE; MENTAL RETARDATION, EPILEPSY, AND ENDOCRINE DISORDERS; BORJESON SYNDROME. Identifiers: Orphanet 127, MedGen C0265339, MONDO:0010537, OMIM 301900.

Submissions (2):

Fulgent Genetics
Classification: Uncertain significance for Borjeson-Forssman-Lehmann syndrome. Last evaluated: 2024-03-17. Review status: criteria provided, single submitter. Criteria: ACMG Guidelines, 2015. Collection method: clinical testing. Allele origin: germline.

GeneDx
Classification: Uncertain significance. Last evaluated: 2021-11-11. Review status: criteria provided, single submitter. Criteria: GeneDx Variant Classification Process June 2021. Collection method: clinical testing. Allele origin: germline. Affected: yes.
Comment: Has not been previously published as pathogenic or benign to our knowledge; Not observed at significant frequency in large population cohorts (gnomAD); In silico analysis supports that this missense variant does not alter protein structure/function

NM_001015877.2(PHF6):c.488G>A (p.Arg163His)

Gene: PHF6 (PHD finger protein 6; plus strand). Cytogenetic location: Xq26.2.
Variant type: single nucleotide variant.
Coding change: c.488G>A on transcript NM_001015877.2 (MANE Select); coding-DNA position 488, G replaced by A.
Protein change: p.Arg163His; replaces arginine 163 with histidine.
Molecular consequence: missense variant.
Genome position (GRCh38, 1-based): chrX:134,413,560, G>A. VCF-style: chrX-134413560-G-A. GRCh37 (hg19) VCF-style: chrX-133547590-G-A.
Other names: c.491G>A, p.Arg164His (NM_032335.3); c.488G>A, p.Arg163His (NM_032458.3); short protein forms R163H, R164H.
Identifiers: ClinVar variation 1684125 (VCV001684125.3), dbSNP rs2124248390, ClinGen allele CA414712525.